The following is an entry in ClinVar:

NM_001008537.3(NEXMIF):c.3867C>A (p.Ser1289Arg)

Gene: NEXMIF (neurite extension and migration factor; minus strand). Cytogenetic location: Xq13.3.
Variant type: single nucleotide variant.
Coding change: c.3867C>A on transcript NM_001008537.3 (MANE Select); coding-DNA position 3867, C replaced by A.
Protein change: p.Ser1289Arg; replaces serine 1289 with arginine.
Molecular consequence: missense variant.
Genome position (GRCh38, 1-based): chrX:74,740,690, G>T on the plus strand (C>A on the coding strand, the complement: NEXMIF is on the minus strand). VCF-style: chrX-74740690-G-T. GRCh37 (hg19) VCF-style: chrX-73960525-G-T.
Other names: short protein forms S1289R.
Identifiers: ClinVar variation 1708921 (VCV001708921.2), dbSNP rs750003737, ClinGen allele CA413664570.
Genomic context (GRCh38, chrX:74,740,690, plus strand): 5'-GTCATCATCCAGAAGGCTGTTGGTGTTGGTGCCCATGCTCATATCACTCCAGCCTGGGCT[G>T]CTCTCCTTCCCCAAGGCCCAATCTCCAGAAAGTCCCTTTTGACTTGGCATCTTCATAGAG-3'
Protein context (NP_001008537.1, residues 1279-1299): LSGDWALGKE[Ser1289Arg]SPGWSDMSMG

ClinVar aggregate classification (germline): Uncertain significance (1 of 4 stars; one submission).

Submission:

GeneDx
Classification: Uncertain significance. Last evaluated: 2022-03-16. Review status: criteria provided, single submitter. Criteria: GeneDx Variant Classification Process June 2021. Collection method: clinical testing. Allele origin: germline. Affected: yes.
Comment: Not observed at significant frequency in large population cohorts (gnomAD); In silico analysis supports that this missense variant does not alter protein structure/function; Has not been previously published as pathogenic or benign to our knowledge